The following is an entry in ClinVar:

ClinVar aggregate classification (germline): Likely benign. Review status: criteria provided, multiple submitters, no conflicts (2 of 4 stars). 3 submissions from 3 submitters: Likely benign (2). 1 of the submissions does not count toward it. Last evaluated 2025-12-16.

Conditions:
CEP250-related disorder. Also called: CEP250-related condition.

Allele frequency attached by ClinVar (database versions not stated): gnomAD exomes 0.00003 and 0.00008; gnomAD 0.00022 and 0.00023; ESP Exome Variant Server 0.00023; ExAC 0.00024; TOPMed 0.00031; 1000 Genomes Project 0.00060; 1000 Genomes Project 30x 0.00062.
gnomAD v4.1: 80 of 1,609,776 alleles (0.005%); highest among the groups gnomAD compares: African/African-American, 0.081%; 1 homozygote.

Submissions (3):

Labcorp Genetics (formerly Invitae), Labcorp
Classification: Likely benign. Last evaluated: 2025-12-16. Review status: criteria provided, single submitter. Criteria: Invitae Variant Classification Sherloc (09022015). Collection method: clinical testing. Allele origin: germline.

Blueprint Genetics
Classification: Likely benign. Last evaluated: 2024-06-11. Review status: criteria provided, single submitter. Criteria: ACMG Guidelines, 2015. Collection method: clinical testing. Allele origin: germline.

PreventionGenetics, part of Exact Sciences
Classification: Likely benign for CEP250-related condition. Last evaluated: 2020-09-02. Review status: no assertion criteria provided. Collection method: clinical testing. Allele origin: germline. Not counted in ClinVar's aggregate classification.
Comment: This variant is classified as likely benign based on ACMG/AMP sequence variant interpretation guidelines (Richards et al. 2015 PMID: 25741868, with internal and published modifications).

NM_007186.6(CEP250):c.3501C>T (p.Ala1167=)

Gene: CEP250 (centrosomal protein 250; plus strand). Cytogenetic location: 20q11.22.
Variant type: single nucleotide variant.
Coding change: c.3501C>T on transcript NM_007186.6 (MANE Select); coding-DNA position 3501, C replaced by T.
Protein change: p.Ala1167=; no amino-acid change (alanine 1167 retained).
Molecular consequence: synonymous variant.
Genome position (GRCh38, 1-based): chr20:35,497,913, C>T. VCF-style: chr20-35497913-C-T. GRCh37 (hg19) VCF-style: chr20-34085742-C-T.
Other names: c.1605C>T, p.Ala535= (NM_001318219.1); c.3501C>T (NM_007186.5).
Identifiers: ClinVar variation 1078013 (VCV001078013.12), dbSNP rs147057333, ClinGen allele CA9833483.